The following is an entry in ClinVar:

ClinVar aggregate classification (germline): Conflicting classifications of pathogenicity. Review status: criteria provided, conflicting classifications (1 of 4 stars). 2 submissions from 2 submitters: Uncertain significance (1); Likely benign (1). Last evaluated 2026-08-06.

Conditions:
CCDC40-related disorder. Also called: CCDC40-related condition.

gnomAD v4.1: 268 of 1,536,256 alleles (0.017%); highest among the groups gnomAD compares: East Asian, 0.22%; no homozygotes.

Submissions (2):

PreventionGenetics, part of Exact Sciences
Classification: Uncertain significance for CCDC40-related condition. Last evaluated: 2026-08-06. Review status: criteria provided, single submitter. Criteria: ACMG Guidelines, 2015. Collection method: clinical testing. Allele origin: germline.
Comment: The CCDC40 c.1693G>A variant is predicted to result in the amino acid substitution p.Val565Ile. To our knowledge, this variant has not been reported in the literature. This variant is reported in 0.041% of alleles in individuals of East Asian descent in gnomAD. At this time, the clinical significance of this variant is uncertain due to the absence of conclusive functional and genetic evidence.

Blueprint Genetics
Classification: Likely benign. Last evaluated: 2024-10-24. Review status: criteria provided, single submitter. Criteria: ACMG Guidelines, 2015. Collection method: clinical testing. Allele origin: germline.

NM_017950.4(CCDC40):c.1562+2029G>A

Gene: CCDC40 (coiled-coil domain 40 molecular ruler complex subunit; plus strand). Cytogenetic location: 17q25.3.
Variant type: single nucleotide variant.
Coding change: c.1562+2029G>A on transcript NM_017950.4 (MANE Select); 2029 bases into the intron after coding-DNA position 1562, G replaced by A.
Molecular consequence: intron variant. On other transcripts: missense variant (1).
Genome position (GRCh38, 1-based): chr17:80,067,635, G>A. VCF-style: chr17-80067635-G-A. GRCh37 (hg19) VCF-style: chr17-78041434-G-A.
Other names: c.1693G>A, p.Val565Ile (NM_001330508.2); c.1562+2029G>A (NM_001243342.2); c.1693G>A (NM_001330508.1); short protein forms V565I.
Identifiers: ClinVar variation 4937274 (VCV004937274.2).